The following is an entry in ClinVar:

ClinVar aggregate classification (germline): Pathogenic (1 of 4 stars; one submission).

Conditions:
Peutz-Jeghers syndrome (PJS). Also called: POLYPOSIS, HAMARTOMATOUS INTESTINAL; POLYPS-AND-SPOTS SYNDROME; Peutz-Jeghers polyposis; Periorificial lentiginosis syndrome. Identifiers: Orphanet 2869, MedGen C0031269, MeSH D010580, MONDO:0008280, OMIM 175200.

Submission:

Labcorp Genetics (formerly Invitae), Labcorp
Classification: Pathogenic for Peutz-Jeghers syndrome. Last evaluated: 2020-09-23. Review status: criteria provided, single submitter. Criteria: Invitae Variant Classification Sherloc (09022015). Collection method: clinical testing. Allele origin: germline.
Comment: For these reasons, this variant has been classified as Pathogenic. Loss-of-function variants in STK11 are known to be pathogenic (PMID: 15188174, 16287113). This variant has not been reported in the literature in individuals with STK11-related conditions. This variant is not present in population databases (ExAC no frequency). This sequence change creates a premature translational stop signal (p.Tyr49Leufs*114) in the STK11 gene. It is expected to result in an absent or disrupted protein product.

Literature cited by the submitters: PubMed 15188174; PubMed 16287113.

NM_000455.5(STK11):c.145dup (p.Tyr49fs)

Gene: STK11 (serine/threonine kinase 11; plus strand). Cytogenetic location: 19p13.3.
Variant type: Duplication.
Coding change: c.145dup on transcript NM_000455.5 (MANE Select); coding-DNA position 145, one base duplicated (T; older notation c.145dupT).
Protein change: p.Tyr49fs; shifts the reading frame from tyrosine 49.
Molecular consequence: frameshift variant.
Genome position (GRCh38, 1-based): chr19:1,207,058, T duplicated. VCF-style (leftmost placement, unchanged base first): chr19-1207057-G-GT. GRCh37 (hg19) VCF-style: chr19-1207056-G-GT.
Other names: short protein forms Y49fs.
Identifiers: ClinVar variation 1076021 (VCV001076021.7), dbSNP rs2145405146, ClinGen allele CA2499225351.